The following is an entry in ClinVar:

ClinVar aggregate classification (germline): Uncertain significance (1 of 4 stars; one submission).

Conditions:
Inborn genetic diseases. Identifiers: MedGen C0950123, MeSH D030342.

Submission:

Ambry Genetics
Classification: Uncertain significance for Inborn genetic diseases. Last evaluated: 2026-04-10. Review status: criteria provided, single submitter. Criteria: Ambry Variant Classification Scheme 2023. Collection method: clinical testing. Allele origin: germline.
Comment: The p.L214V variant (also known as c.640C>G), located in coding exon 7 of the FANCA gene, results from a C to G substitution at nucleotide position 640. The leucine at codon 214 is replaced by valine, an amino acid with highly similar properties. This amino acid position is conserved. In addition, this alteration is predicted to be tolerated by in silico analysis. Based on the available evidence, the clinical significance of this variant remains unclear.

NM_000135.4(FANCA):c.640C>G (p.Leu214Val)

Gene: FANCA (FA complementation group A; minus strand). Cytogenetic location: 16q24.3.
Variant type: single nucleotide variant.
Coding change: c.640C>G on transcript NM_000135.4 (MANE Select); coding-DNA position 640, C replaced by G.
Protein change: p.Leu214Val; replaces leucine 214 with valine.
Molecular consequence: missense variant.
Genome position (GRCh38, 1-based): chr16:89,805,349, G>C on the plus strand (C>G on the coding strand, the complement: FANCA is on the minus strand). VCF-style: chr16-89805349-G-C. GRCh37 (hg19) VCF-style: chr16-89871757-G-C.
Other names: c.640C>G, p.Leu214Val (NM_001018112.3, NM_001286167.3); c.544C>G, p.Leu182Val (NM_001351830.2); short protein forms L182V, L214V.
Identifiers: ClinVar variation 4870826 (VCV004870826.1).